The following is an entry in ClinVar:

ClinVar aggregate classification (germline): Uncertain significance (1 of 4 stars; one submission).

Conditions:
Glycogen storage disease due to muscle beta-enolase deficiency (GSD13). Also called: ENOLASE 3 DEFICIENCY; ENOLASE-BETA DEFICIENCY; GSD XIII; Glycogen Storage Disease Type XIII. Identifiers: Orphanet 99849, MedGen C2752027, MONDO:0013046, OMIM 612932.

Submission:

Labcorp Genetics (formerly Invitae), Labcorp
Classification: Uncertain significance for Glycogen storage disease due to muscle beta-enolase deficiency. Last evaluated: 2022-07-12. Review status: criteria provided, single submitter. Criteria: Invitae Variant Classification Sherloc (09022015). Collection method: clinical testing. Allele origin: germline.
Comment: In summary, the available evidence is currently insufficient to determine the role of this variant in disease. Therefore, it has been classified as a Variant of Uncertain Significance. Algorithms developed to predict the effect of missense changes on protein structure and function are either unavailable or do not agree on the potential impact of this missense change (SIFT: "Deleterious"; PolyPhen-2: "Benign"; Align-GVGD: "Class C0"). This variant has not been reported in the literature in individuals affected with ENO3-related conditions. This variant is not present in population databases (gnomAD no frequency). This sequence change replaces histidine, which is basic and polar, with glutamine, which is neutral and polar, at codon 191 of the ENO3 protein (p.His191Gln).

NM_053013.4(ENO3):c.573C>A (p.His191Gln)

Gene: ENO3 (enolase 3; plus strand). Cytogenetic location: 17p13.2.
Variant type: single nucleotide variant.
Coding change: c.573C>A on transcript NM_053013.4 (MANE Select); coding-DNA position 573, C replaced by A.
Protein change: p.His191Gln; replaces histidine 191 with glutamine.
Molecular consequence: missense variant.
Genome position (GRCh38, 1-based): chr17:4,955,203, C>A. VCF-style: chr17-4955203-C-A. GRCh37 (hg19) VCF-style: chr17-4858498-C-A.
Other names: c.444C>A, p.His148Gln (NM_001193503.2); c.573C>A, p.His191Gln (NM_001374523.1, NM_001976.5); c.600C>A, p.His200Gln (NM_001374524.1); short protein forms H191Q, H200Q, H148Q.
Identifiers: ClinVar variation 2016366 (VCV002016366.4), dbSNP rs2507714798, ClinGen allele CA397290179.